The following is an entry in ClinVar:

ClinVar aggregate classification (germline): Uncertain significance (1 of 4 stars; one submission).

Submission:

GeneDx
Classification: Uncertain significance. Last evaluated: 2019-04-03. Review status: criteria provided, single submitter. Criteria: GeneDx Variant Classification Process June 2021. Collection method: clinical testing. Allele origin: germline. Affected: yes.
Comment: Not observed in large population cohorts (Lek et al., 2016); In silico analysis, which includes protein predictors and evolutionary conservation, supports that this variant does not alter protein structure/function; Has not been previously published as pathogenic or benign to our knowledge

NM_001242896.3(DEPDC5):c.2749A>C (p.Lys917Gln)

Gene: DEPDC5 (DEP domain containing 5, GATOR1 subcomplex subunit; plus strand). Cytogenetic location: 22q12.3.
Variant type: single nucleotide variant.
Coding change: c.2749A>C on transcript NM_001242896.3 (MANE Select); coding-DNA position 2749, A replaced by C.
Protein change: p.Lys917Gln; replaces lysine 917 with glutamine.
Molecular consequence: missense variant. On other transcripts: non-coding transcript variant (5).
Genome position (GRCh38, 1-based): chr22:31,843,760, A>C. VCF-style: chr22-31843760-A-C. GRCh37 (hg19) VCF-style: chr22-32239746-A-C.
Other names: c.2722A>C, p.Lys908Gln (NM_001136029.4, NM_001369903.1, NM_014662.6); c.2515A>C, p.Lys839Gln (NM_001242897.2, NM_001363854.2, NM_001364319.2); c.2749A>C, p.Lys917Gln (NM_001363852.2, NM_001364318.2, NM_001364320.2); c.2665A>C, p.Lys889Gln (NM_001369901.1, NM_001369902.1); short protein forms K839Q, K889Q, K908Q, K917Q.
Identifiers: ClinVar variation 1308271 (VCV001308271.2), dbSNP rs2149009516, ClinGen allele CA411290034.